The following is an entry in ClinVar:

NM_005076.5(CNTN2):c.2196+5G>A

Gene: CNTN2 (contactin 2; plus strand). Cytogenetic location: 1q32.1.
Variant type: single nucleotide variant.
Coding change: c.2196+5G>A on transcript NM_005076.5 (MANE Select); 5 bases into the intron after coding-DNA position 2196, G replaced by A.
Molecular consequence: intron variant.
Genome position (GRCh38, 1-based): chr1:205,069,566, G>A. VCF-style: chr1-205069566-G-A. GRCh37 (hg19) VCF-style: chr1-205038694-G-A.
Other names: c.2196+5G>A (NM_001346083.2).
Identifiers: ClinVar variation 936462 (VCV000936462.6), dbSNP rs747164379, ClinGen allele CA1351622.

ClinVar aggregate classification (germline): Uncertain significance. Review status: criteria provided, multiple submitters, no conflicts (2 of 4 stars). 3 submissions from 3 submitters: Uncertain significance (3). Last evaluated 2020-12-22.

Conditions:
Epilepsy, familial adult myoclonic, 5 (EPEO5). Also called: CORTICAL MYOCLONIC TREMOR WITH EPILEPSY, FAMILIAL, 5. Identifiers: Orphanet 86814, MedGen C3809374, MONDO:0014167, OMIM 615400.

Allele frequency attached by ClinVar (database versions not stated): TOPMed 0.00002; gnomAD exomes 0.00003 and 0.00004; gnomAD 0.00004 and 0.00005; ExAC 0.00006.
gnomAD v4.1: 53 of 1,612,356 alleles (0.0033%); highest among the groups gnomAD compares: Middle Eastern, 0.033%; no homozygotes.

Submissions (3):

Labcorp Genetics (formerly Invitae), Labcorp
Classification: Uncertain significance for Epilepsy, familial adult myoclonic, 5. Last evaluated: 2020-12-22. Review status: criteria provided, single submitter. Criteria: Invitae Variant Classification Sherloc (09022015). Collection method: clinical testing. Allele origin: germline.
Comment: This sequence change falls in intron 17 of the CNTN2 gene. It does not directly change the encoded amino acid sequence of the CNTN2 protein, but it affects a nucleotide within the consensus splice site of the intron. This variant is present in population databases (rs747164379, ExAC 0.01%). This variant has not been reported in the literature in individuals with CNTN2-related conditions. Nucleotide substitutions within the consensus splice site are a relatively common cause of aberrant splicing (PMID: 17576681, 9536098). Algorithms developed to predict the effect of sequence changes on RNA splicing suggest that this variant may disrupt the consensus splice site, but this prediction has not been confirmed by published transcriptional studies. In summary, the available evidence is currently insufficient to determine the role of this variant in disease. Therefore, it has been classified as a Variant of Uncertain Significance.

New York Genome Center
Classification: Uncertain significance for Epilepsy, familial adult myoclonic, 5. Last evaluated: 2020-06-26. Review status: criteria provided, single submitter. Criteria: NYGC Assertion Criteria 2020. Collection method: clinical testing. Allele origin: germline. Observed: 1 heterozygote. Study: CSER-NYCKidSeq.

GeneDx
Classification: Uncertain significance. Last evaluated: 2019-03-24. Review status: criteria provided, single submitter. Criteria: GeneDx Variant Classification Process June 2021. Collection method: clinical testing. Allele origin: germline. Affected: yes.
Comment: Predicted to damage the natural splice donor site in intron 17; In the absence of RNA/functional studies, the actual effect of this sequence change is unknown; Has not been previously published as pathogenic or benign to our knowledge

Literature cited by the submitters: PubMed 17576681 (cited by Labcorp Genetics (formerly Invitae), Labcorp); PubMed 9536098 (cited by Labcorp Genetics (formerly Invitae), Labcorp).